The following is an entry in ClinVar:

NM_000638.4(VTN):c.1020C>T (p.His340=)

Gene: VTN (vitronectin; minus strand). Cytogenetic location: 17q11.2.
Variant type: single nucleotide variant.
Coding change: c.1020C>T on transcript NM_000638.4 (MANE Select); coding-DNA position 1020, C replaced by T.
Protein change: p.His340=; no amino-acid change (histidine 340 retained).
Molecular consequence: synonymous variant.
Genome position (GRCh38, 1-based): chr17:28,368,019, G>A on the plus strand (C>T on the coding strand, the complement: VTN is on the minus strand). VCF-style: chr17-28368019-G-A. GRCh37 (hg19) VCF-style: chr17-26695040-G-A.
Identifiers: ClinVar variation 759659 (VCV000759659.5), dbSNP rs374231917, ClinGen allele CA8457451.

ClinVar aggregate classification (germline): Likely benign. Review status: criteria provided, single submitter (1 of 4 stars). 2 submissions from 2 submitters: Likely benign (1). 1 of the submissions does not count toward it. Last evaluated 2018-08-15.

Conditions:
VTN-related disorder. Also called: VTN-related condition.

Allele frequency attached by ClinVar (database versions not stated): gnomAD exomes 0.00005 and 0.00012; ESP Exome Variant Server 0.00008; TOPMed 0.00009; gnomAD 0.00011 and 0.00013; ExAC 0.00012.
gnomAD v4.1: 197 of 1,590,444 alleles (0.012%); highest among the groups gnomAD compares: African/African-American, 0.024%; no homozygotes.

Submissions (2):

Labcorp Genetics (formerly Invitae), Labcorp
Classification: Likely benign. Last evaluated: 2018-08-15. Review status: criteria provided, single submitter. Criteria: Invitae Variant Classification Sherloc (09022015). Collection method: clinical testing. Allele origin: germline.

PreventionGenetics, part of Exact Sciences
Classification: Likely benign for VTN-related condition. Last evaluated: 2023-09-08. Review status: no assertion criteria provided. Collection method: clinical testing. Allele origin: germline. Not counted in ClinVar's aggregate classification.
Comment: This variant is classified as likely benign based on ACMG/AMP sequence variant interpretation guidelines (Richards et al. 2015 PMID: 25741868, with internal and published modifications).